The following is an entry in ClinVar:

ClinVar aggregate classification (germline): Pathogenic (1 of 4 stars; one submission).

Conditions:
Spastic paraplegia. Identifiers: MedGen C0037772, HP:0001258.

Allele frequency attached by ClinVar (database versions not stated): gnomAD exomes below 0.00001; ExAC 0.00001.

Submission:

Labcorp Genetics (formerly Invitae), Labcorp
Classification: Pathogenic for Spastic paraplegia. Last evaluated: 2019-12-27. Review status: criteria provided, single submitter. Criteria: Invitae Variant Classification Sherloc (09022015). Collection method: clinical testing. Allele origin: germline.
Comment: This variant is present in population databases (rs760484081, ExAC 0.001%). For these reasons, this variant has been classified as Pathogenic. Loss-of-function variants in ZFYVE26 are known to be pathogenic (PMID: 18394578, 19805727). This variant has not been reported in the literature in individuals with ZFYVE26-related conditions. This sequence change creates a premature translational stop signal (p.Trp29*) in the ZFYVE26 gene. It is expected to result in an absent or disrupted protein product.

Literature cited by the submitters: PubMed 18394578; PubMed 19805727.

NM_015346.4(ZFYVE26):c.86G>A (p.Trp29Ter)

Gene: ZFYVE26 (zinc finger FYVE-type containing 26; minus strand). Cytogenetic location: 14q24.1.
Variant type: single nucleotide variant.
Coding change: c.86G>A on transcript NM_015346.4 (MANE Select); coding-DNA position 86, G replaced by A.
Protein change: p.Trp29Ter; replaces tryptophan 29 with a stop codon.
Molecular consequence: nonsense.
Genome position (GRCh38, 1-based): chr14:67,815,878, C>T on the plus strand (G>A on the coding strand, the complement: ZFYVE26 is on the minus strand). VCF-style: chr14-67815878-C-T. GRCh37 (hg19) VCF-style: chr14-68282595-C-T.
Other names: short protein forms W29*.
Identifiers: ClinVar variation 857428 (VCV000857428.8), dbSNP rs760484081, ClinGen allele CA7240893.
Genomic context (GRCh38, chr14:67,815,878, plus strand): 5'-CTCTTTGGGATATCCCCTTGTCCCTCCTGTAGCTGAGGTACACATGCCTGTGCCAGCTCC[C>T]ATTCTCCCCTCCGCAGGCATTCGCAGAAAAATCCAAAAAGCTGCTTCTGCGAAGCAGCTT-3'